The following is an entry in ClinVar:

ClinVar aggregate classification (germline): Uncertain significance. Review status: criteria provided, multiple submitters, no conflicts (2 of 4 stars). 3 submissions from 3 submitters: Uncertain significance (3). Last evaluated 2025-11-26.

Conditions:
Inborn genetic diseases. Identifiers: MedGen C0950123, MeSH D030342.
Pachyonychia congenita 4 (PC4). Also called: KRT6B-Related Pachyonychia Congenita. Identifiers: Orphanet 2309, MedGen C3714949, MONDO:0014325, OMIM 615728.

Allele frequency attached by ClinVar (database versions not stated): gnomAD exomes 0.00004; gnomAD 0.00001; ExAC 0.00004.
gnomAD v4.1: 60 of 1,613,580 alleles (0.0037%); highest among the groups gnomAD compares: Admixed American, 0.015%; no homozygotes.

Submissions (3):

Ambry Genetics
Classification: Uncertain significance for Inborn genetic diseases. Last evaluated: 2025-11-26. Review status: criteria provided, single submitter. Criteria: Ambry Variant Classification Scheme 2023. Collection method: clinical testing. Allele origin: germline.

Labcorp Genetics (formerly Invitae), Labcorp
Classification: Uncertain significance. Last evaluated: 2022-02-08. Review status: criteria provided, single submitter. Criteria: Invitae Variant Classification Sherloc (09022015). Collection method: clinical testing. Allele origin: germline.
Comment: This sequence change replaces arginine, which is basic and polar, with histidine, which is basic and polar, at codon 375 of the KRT6B protein (p.Arg375His). This variant is present in population databases (rs764203649, gnomAD 0.02%). This variant has not been reported in the literature in individuals affected with KRT6B-related conditions. Algorithms developed to predict the effect of missense changes on protein structure and function output the following: SIFT: "Deleterious"; PolyPhen-2: "Possibly Damaging"; Align-GVGD: "Class C25". The histidine amino acid residue is found in multiple mammalian species, which suggests that this missense change does not adversely affect protein function. In summary, the available evidence is currently insufficient to determine the role of this variant in disease. Therefore, it has been classified as a Variant of Uncertain Significance.

Department of Pathology and Laboratory Medicine, Sinai Health System
Classification: Uncertain significance for Pachyonychia congenita 4. Last evaluated: 2021-07-30. Review status: criteria provided, single submitter. Criteria: ACMG Guidelines, 2015. Collection method: research. Allele origin: germline.

NM_005555.4(KRT6B):c.1124G>A (p.Arg375His)

Gene: KRT6B (keratin 6B; minus strand). Cytogenetic location: 12q13.13.
Variant type: single nucleotide variant.
Coding change: c.1124G>A on transcript NM_005555.4 (MANE Select); coding-DNA position 1124, G replaced by A.
Protein change: p.Arg375His; replaces arginine 375 with histidine.
Molecular consequence: missense variant.
Genome position (GRCh38, 1-based): chr12:52,448,921, C>T on the plus strand (G>A on the coding strand, the complement: KRT6B is on the minus strand). VCF-style: chr12-52448921-C-T. GRCh37 (hg19) VCF-style: chr12-52842705-C-T.
Other names: c.1124G>A (NM_005555.3); short protein forms R375H.
Identifiers: ClinVar variation 2063996 (VCV002063996.6), dbSNP rs764203649, ClinGen allele CA6580519.